The following is an entry in ClinVar:

NM_052947.4(ALPK2):c.3462A>C (p.Gln1154His)

Gene: ALPK2 (alpha kinase 2; minus strand). Cytogenetic location: 18q21.31.
Variant type: single nucleotide variant.
Coding change: c.3462A>C on transcript NM_052947.4 (MANE Select); coding-DNA position 3462, A replaced by C.
Protein change: p.Gln1154His; replaces glutamine 1154 with histidine.
Molecular consequence: missense variant.
Genome position (GRCh38, 1-based): chr18:58,536,725, T>G on the plus strand (A>C on the coding strand, the complement: ALPK2 is on the minus strand). VCF-style: chr18-58536725-T-G. GRCh37 (hg19) VCF-style: chr18-56203957-T-G.
Other names: short protein forms Q1154H.
Identifiers: ClinVar variation 1731652 (VCV001731652.2), dbSNP rs2051651140, ClinGen allele CA402566818.
Genomic context (GRCh38, chr18:58,536,725, plus strand): 5'-GTGGGCCGTGGGCACCAAGTTTCTTTCCTCTTGTGCAGCAGATGTCGTAGGCAAACTTTG[T>G]TGGAAATCAGGTGCAGAAAGAGAACCCTGCTGGGACAGGCTCTGCTGCTGGACCCCCTGC-3'
Protein context (NP_443179.3, residues 1144-1164): QQGSLSAPDF[Gln1154His]QSLPTTSAAQ

ClinVar aggregate classification (germline): Uncertain significance (1 of 4 stars; one submission).

Submission:

Ambry Genetics
Classification: Uncertain significance. Last evaluated: 2021-07-23. Review status: criteria provided, single submitter. Criteria: Ambry Variant Classification Scheme 2023. Collection method: clinical testing. Allele origin: germline.
Comment: The p.Q1154H variant (also known as c.3462A>C), located in coding exon 4 of the ALPK2 gene, results from an A to C substitution at nucleotide position 3462. The glutamine at codon 1154 is replaced by histidine, an amino acid with highly similar properties. This amino acid position is conserved. In addition, this alteration is predicted to be tolerated by in silico analysis. Since supporting evidence is limited at this time, the clinical significance of this alteration remains unclear.